The following is an entry in ClinVar:

ClinVar aggregate classification (germline): Uncertain significance (1 of 4 stars; one submission).

gnomAD v4.1: 2 of 1,614,116 alleles (0.00012%); highest among the groups gnomAD compares: Non-Finnish European, 0.00017%; no homozygotes.

Submission:

Ambry Genetics
Classification: Uncertain significance. Last evaluated: 2024-08-21. Review status: criteria provided, single submitter. Criteria: Ambry Variant Classification Scheme 2023. Collection method: clinical testing. Allele origin: germline.
Comment: The p.G1332V variant (also known as c.3995G>T), located in coding exon 4 of the ALPK2 gene, results from a G to T substitution at nucleotide position 3995. The glycine at codon 1332 is replaced by valine, an amino acid with dissimilar properties. This amino acid position is conserved. In addition, this alteration is predicted to be tolerated by in silico analysis. Based on the available evidence, the clinical significance of this variant remains unclear.

NM_052947.4(ALPK2):c.3995G>T (p.Gly1332Val)

Genes: ALPK2 (alpha kinase 2; minus strand), LOC126862764 (BRD4-independent group 4 enhancer GRCh37_chr18:56202574-56203773; plus strand). Cytogenetic location: 18q21.31.
Variant type: single nucleotide variant.
Coding change: c.3995G>T on transcript NM_052947.4 (MANE Select); coding-DNA position 3995, G replaced by T.
Protein change: p.Gly1332Val; replaces glycine 1332 with valine.
Molecular consequence: missense variant.
Genome position (GRCh38, 1-based): chr18:58,536,192, C>A on the plus strand (G>T on the coding strand, the complement: ALPK2 is on the minus strand). VCF-style: chr18-58536192-C-A. GRCh37 (hg19) VCF-style: chr18-56203424-C-A.
Other names: short protein forms G1332V.
Identifiers: ClinVar variation 3531288 (VCV003531288.1).